The following is an entry in ClinVar:

ClinVar aggregate classification (germline): Uncertain significance (1 of 4 stars; one submission).

Allele frequency attached by ClinVar (database versions not stated): gnomAD exomes below 0.00001.

Submission:

Labcorp Genetics (formerly Invitae), Labcorp
Classification: Uncertain significance. Last evaluated: 2021-12-25. Review status: criteria provided, single submitter. Criteria: Invitae Variant Classification Sherloc (09022015). Collection method: clinical testing. Allele origin: germline.
Comment: In summary, the available evidence is currently insufficient to determine the role of this variant in disease. Therefore, it has been classified as a Variant of Uncertain Significance. Algorithms developed to predict the effect of missense changes on protein structure and function are either unavailable or do not agree on the potential impact of this missense change (SIFT: "Deleterious"; PolyPhen-2: "Benign"; Align-GVGD: "Class C55"). This variant has not been reported in the literature in individuals affected with MYH3-related conditions. This variant is not present in population databases (gnomAD no frequency). This sequence change replaces alanine, which is neutral and non-polar, with threonine, which is neutral and polar, at codon 1544 of the MYH3 protein (p.Ala1544Thr).

NM_002470.4(MYH3):c.4630G>A (p.Ala1544Thr)

Gene: MYH3 (myosin heavy chain 3; minus strand). Cytogenetic location: 17p13.1.
Variant type: single nucleotide variant.
Coding change: c.4630G>A on transcript NM_002470.4 (MANE Select); coding-DNA position 4630, G replaced by A.
Protein change: p.Ala1544Thr; replaces alanine 1544 with threonine.
Molecular consequence: missense variant.
Genome position (GRCh38, 1-based): chr17:10,633,608, C>T on the plus strand (G>A on the coding strand, the complement: MYH3 is on the minus strand). VCF-style: chr17-10633608-C-T. GRCh37 (hg19) VCF-style: chr17-10536925-C-T.
Other names: short protein forms A1544T.
Identifiers: ClinVar variation 2114688 (VCV002114688.4), dbSNP rs1047032918, ClinGen allele CA287781057.